The following is an entry in ClinVar:

NM_012281.3(KCND2):c.1215T>G (p.Ile405Met)

Gene: KCND2 (potassium voltage-gated channel subfamily D member 2; plus strand). Cytogenetic location: 7q31.31.
Variant type: single nucleotide variant.
Coding change: c.1215T>G on transcript NM_012281.3 (MANE Select); coding-DNA position 1215, T replaced by G.
Protein change: p.Ile405Met; replaces isoleucine 405 with methionine.
Molecular consequence: missense variant.
Genome position (GRCh38, 1-based): chr7:120,733,002, T>G. VCF-style: chr7-120733002-T-G. GRCh37 (hg19) VCF-style: chr7-120373056-T-G.
Other names: short protein forms I405M.
Identifiers: ClinVar variation 1473173 (VCV001473173.6), dbSNP rs1273708047, ClinGen allele CA369134187.

ClinVar aggregate classification (germline): Likely pathogenic (1 of 4 stars; one submission).

Conditions:
Early Myoclonic Encephalopathy. Identifiers: MedGen C0270855.

Submission:

Labcorp Genetics (formerly Invitae), Labcorp
Classification: Likely pathogenic for Early Myoclonic Encephalopathy. Last evaluated: 2022-11-15. Review status: criteria provided, single submitter. Criteria: Invitae Variant Classification Sherloc (09022015). Collection method: clinical testing. Allele origin: germline.
Comment: In summary, the currently available evidence indicates that the variant is pathogenic, but additional data are needed to prove that conclusively. Therefore, this variant has been classified as Likely Pathogenic. Advanced modeling of protein sequence and biophysical properties (such as structural, functional, and spatial information, amino acid conservation, physicochemical variation, residue mobility, and thermodynamic stability) performed at Invitae indicates that this missense variant is not expected to disrupt KCND2 protein function. ClinVar contains an entry for this variant (Variation ID: 1473173). This missense change has been observed in individual(s) with clinical features of KCND2-related conditions (Invitae). In at least one individual the variant was observed to be de novo. This variant is not present in population databases (gnomAD no frequency). This sequence change replaces isoleucine, which is neutral and non-polar, with methionine, which is neutral and non-polar, at codon 405 of the KCND2 protein (p.Ile405Met).